The following is an entry in ClinVar:

ClinVar aggregate classification (germline): Conflicting classifications of pathogenicity. Review status: criteria provided, conflicting classifications (1 of 4 stars). 2 submissions from 2 submitters: Pathogenic (1); Uncertain significance (1). Last evaluated 2025-09-01.

Conditions:
Orofacial cleft 1 (OFC1). Also called: CLEFT LIP WITH OR WITHOUT CLEFT PALATE, NONSYNDROMIC, 1; OROFACIAL CLEFT, NONSYNDROMIC; Nonsyndromic Cleft Lip/Palate. Identifiers: MedGen C1861537, MeSH C566121, MONDO:0007335, OMIM 119530.

Submissions (2):

Genetics Research Group, Universidad San Francisco de Quito
Classification: Pathogenic for Orofacial cleft 1. Last evaluated: 2025-09-01. Review status: criteria provided, single submitter. Criteria: ACMG Guidelines, 2015. Collection method: research. Allele origin: germline. Inheritance: Autosomal dominant inheritance. Affected: yes. Observed: 1 heterozygote.
Comment: The NM_001348262.3:c.3257G>A (p.Ala1086Val) variant in KIF7 is a missense substitution replacing alanine with valine at codon 1086, a residue located within the conserved coiled-coil domain of the protein, critical for its interaction with components of the SHH (Sonic Hedgehog) signaling pathway and craniofacial development (PM1). This variant is absent from gnomAD (PM2_Supporting) and has a CADD score of 25.4, consistent with a predicted deleterious impact on protein function (PP3). In summary, this variant fulfills ACMG/AMP (PMID:25741868)criteria PS2, PM1, PM2_Supporting, PM5, PP3, and PP4 and is therefore classified as pathogenic for cleft lip and palate due to disruption of KIF7 function.

Blueprint Genetics
Classification: Uncertain significance. Last evaluated: 2023-08-31. Review status: criteria provided, single submitter. Criteria: ACMG Guidelines, 2015. Collection method: clinical testing. Allele origin: germline.

NM_198525.3(KIF7):c.3257C>T (p.Ala1086Val)

Gene: KIF7 (kinesin family member 7; minus strand). Cytogenetic location: 15q26.1.
Variant type: single nucleotide variant.
Coding change: c.3257C>T on transcript NM_198525.3 (MANE Select); coding-DNA position 3257, C replaced by T.
Protein change: p.Ala1086Val; replaces alanine 1086 with valine.
Molecular consequence: missense variant.
Genome position (GRCh38, 1-based): chr15:89,630,348, G>A on the plus strand (C>T on the coding strand, the complement: KIF7 is on the minus strand). VCF-style: chr15-89630348-G-A. GRCh37 (hg19) VCF-style: chr15-90173579-G-A.
Other names: short protein forms A1086V.
Identifiers: ClinVar variation 4291093 (VCV004291093.2).